The following is an entry in ClinVar:

NM_002160.4(TNC):c.1725C>T (p.Asp575=)

Gene: TNC (tenascin C; minus strand). Cytogenetic location: 9q33.1.
Variant type: single nucleotide variant.
Coding change: c.1725C>T on transcript NM_002160.4 (MANE Select); coding-DNA position 1725, C replaced by T.
Protein change: p.Asp575=; no amino-acid change (aspartic acid 575 retained).
Molecular consequence: synonymous variant.
Genome position (GRCh38, 1-based): chr9:115,086,006, G>A on the plus strand (C>T on the coding strand, the complement: TNC is on the minus strand). VCF-style: chr9-115086006-G-A. GRCh37 (hg19) VCF-style: chr9-117848285-G-A.
Other names: c.1725C>T, p.Asp575= (NM_001410991.1).
Identifiers: ClinVar variation 3355632 (VCV003355632.1).

ClinVar aggregate classification (germline): Likely benign (0 of 4 stars; one submission).

Conditions:
TNC-related disorder. Also called: TNC-related condition.

gnomAD v4.1: 22 of 1,613,870 alleles (0.0014%); highest among the groups gnomAD compares: East Asian, 0.0045%; no homozygotes.

Submission:

PreventionGenetics, part of Exact Sciences
Classification: Likely benign for TNC-related condition. Last evaluated: 2019-10-01. Review status: no assertion criteria provided. Collection method: clinical testing. Allele origin: germline.
Comment: This variant is classified as likely benign based on ACMG/AMP sequence variant interpretation guidelines (Richards et al. 2015 PMID: 25741868, with internal and published modifications).